The following is an entry in ClinVar:

NM_001374736.1(DST):c.11686A>G (p.Lys3896Glu)

Gene: DST (dystonin; minus strand). Cytogenetic location: 6p12.1.
Variant type: single nucleotide variant.
Coding change: c.11686A>G on transcript NM_001374736.1 (MANE Select); coding-DNA position 11686, A replaced by G.
Protein change: p.Lys3896Glu; replaces lysine 3896 with glutamic acid.
Molecular consequence: missense variant.
Genome position (GRCh38, 1-based): chr6:56,600,077, T>C on the plus strand (A>G on the coding strand, the complement: DST is on the minus strand). VCF-style: chr6-56600077-T-C. GRCh37 (hg19) VCF-style: chr6-56464875-T-C.
Other names: p.Lys1273Glu; c.5329A>G, p.Lys1777Glu (NM_001144769.5); c.4915A>G, p.Lys1639Glu (NM_001144770.2); c.11686A>G, p.Lys3896Glu (NM_001374722.1); c.11053A>G, p.Lys3685Glu (NM_001374729.1); c.4795A>G, p.Lys1599Glu (NM_001374730.1, NM_001386100.1, NM_183380.4); c.11713A>G, p.Lys3905Glu (NM_001374734.1); c.3817A>G, p.Lys1273Glu (NM_015548.5); short protein forms K1599E, K1639E, K1273E, K3685E, K3905E, K1777E, K3896E.
Identifiers: ClinVar variation 2184113 (VCV002184113.5), dbSNP rs1321358054, ClinGen allele CA364529456.
Genomic context (GRCh38, chr6:56,600,077, plus strand): 5'-GTAATCGAACATAACATCAACATAGATCTGCTGATAGAAAACCAAATTCTACCTCTTGCT[T>C]GGACTGATATTTCTTTAACTCAACTGTGCCATCTCCAATCATGAAGGCTTCTTGGTGACC-3'
Protein context (NP_001361665.1, residues 3886-3906): GTVELKKYQS[Lys3896Glu]QEELQKDMQG

ClinVar aggregate classification (germline): Uncertain significance. Review status: criteria provided, multiple submitters, no conflicts (2 of 4 stars). 2 submissions from 2 submitters: Uncertain significance (2). Last evaluated 2024-08-30.

Conditions:
Epidermolysis bullosa simplex 3, localized or generalized intermediate, with BP230 deficiency (EBS3). Also called: Epidermolysis bullosa simplex due to BP230 deficiency; Epidermolysis bullosa simplex, autosomal recessive 2. Identifiers: Orphanet 412181, MedGen C3809470, MONDO:0014180, OMIM 615425.
Hereditary sensory and autonomic neuropathy type 6. Also called: Neuropathy, hereditary sensory and autonomic, type VI; HSAN VI. Identifiers: Orphanet 314381, MedGen C3539003, MONDO:0013839, OMIM 614653.

Allele frequency attached by ClinVar (database versions not stated): gnomAD 0.00001; gnomAD exomes 0.00001; TOPMed 0.00001.
gnomAD v4.1: 8 of 1,612,020 alleles (0.0005%); highest among the groups gnomAD compares: African/African-American, 0.0013%; no homozygotes.

Submissions (2):

Mayo Clinic Laboratories, Mayo Clinic
Classification: Uncertain significance. Last evaluated: 2024-08-30. Review status: criteria provided, single submitter. Criteria: ACMG Guidelines, 2015. Collection method: clinical testing. Allele origin: germline. Observed: 1 variant allele.
Comment: BP4

Labcorp Genetics (formerly Invitae), Labcorp
Classification: Uncertain significance for Epidermolysis bullosa simplex 3, localized or generalized intermediate, with BP230 deficiency; Hereditary sensory and autonomic neuropathy type 6. Last evaluated: 2022-05-24. Review status: criteria provided, single submitter. Criteria: Invitae Variant Classification Sherloc (09022015). Collection method: clinical testing. Allele origin: germline.
Comment: In summary, the available evidence is currently insufficient to determine the role of this variant in disease. Therefore, it has been classified as a Variant of Uncertain Significance. Experimental studies and prediction algorithms are not available or were not evaluated, and the functional significance of this variant is currently unknown. This variant has not been reported in the literature in individuals affected with DST-related conditions. This variant is not present in population databases (gnomAD no frequency). This sequence change replaces lysine, which is basic and polar, with glutamic acid, which is acidic and polar, at codon 1273 of the DST protein (p.Lys1273Glu). The DST gene has multiple clinically relevant transcripts. This variant occurs in alternate transcript NM_015548.4, and corresponds to NM_001723.5:c.*15440A>G in the primary transcript.